The following is an entry in ClinVar:

ClinVar aggregate classification (germline): Pathogenic (1 of 4 stars; one submission).

Conditions:
Intellectual developmental disorder, autosomal dominant 39. Also called: Intellectual disability, autosomal dominant 39; Mental retardation, autosomal dominant 39. Identifiers: MedGen C4225296, MONDO:0014678, OMIM 616521.

Submission:

Institute for Genomic Medicine (IGM) Clinical Laboratory, Nationwide Children's Hospital
Classification: Pathogenic for Intellectual developmental disorder, autosomal dominant 39. Last evaluated: 2019-01-14. Review status: criteria provided, single submitter. Criteria: ACMG Guidelines, 2015. Collection method: clinical testing. Allele origin: germline. Affected: yes.
Comment: [ACMG/AMP: PVS1, PS2, PM2] This alteration is a null variant in a gene where LOF is a known mechanism of disease [PVS1], is de novo in origin as it was not detected in the submitted parental specimens (identity confirmed) [PS2], is absent from or rarely observed in large-scale population databases [PM2].

NM_001303052.2(MYT1L):c.1968T>A (p.Tyr656Ter)

Gene: MYT1L (myelin transcription factor 1 like; minus strand). Cytogenetic location: 2p25.3.
Variant type: single nucleotide variant.
Coding change: c.1968T>A on transcript NM_001303052.2 (MANE Select); coding-DNA position 1968, T replaced by A.
Protein change: p.Tyr656Ter; replaces tyrosine 656 with a stop codon.
Molecular consequence: nonsense.
Genome position (GRCh38, 1-based): chr2:1,903,144, A>T on the plus strand (T>A on the coding strand, the complement: MYT1L is on the minus strand). VCF-style: chr2-1903144-A-T. GRCh37 (hg19) VCF-style: chr2-1906916-A-T.
Other names: c.1968T>A, p.Tyr656Ter (NM_001329844.2, NM_001329845.1, NM_001329851.3); c.1962T>A, p.Tyr654Ter (NM_001329846.3, NM_001329847.2, NM_001329848.1 and 3 more transcripts); short protein forms Y654*, Y656*.
Identifiers: ClinVar variation 973249 (VCV000973249.5), dbSNP rs527880727, ClinGen allele CA345698549.
Genomic context (GRCh38, chr2:1,903,144, plus strand): 5'-ATCATATCCTTTGGGGGATATATCCCTGGTTTGCACCTTGGGAGCTATGGCTCGCTTGCC[A>T]TAAGTATGGTTGTCGTAACTGTTGTATTCAAACGAGGTCTTGGAATATTTCTCGAGCTCC-3'